The following is an entry in ClinVar:

ClinVar aggregate classification (germline): Uncertain significance (1 of 4 stars; one submission).

Submission:

GeneDx
Classification: Uncertain significance. Last evaluated: 2022-10-21. Review status: criteria provided, single submitter. Criteria: GeneDx Variant Classification Process June 2021. Collection method: clinical testing. Allele origin: germline. Affected: yes.
Comment: Not observed at significant frequency in large population cohorts (gnomAD); In-frame deletion of 1 amino acid in a non-repeat region; In silico analysis supports that this variant does not alter protein structure/function; Has not been previously published as pathogenic or benign to our knowledge

NM_018489.3(ASH1L):c.776_778del (p.Val259del)

Gene: ASH1L (ASH1 like histone lysine methyltransferase; minus strand). Cytogenetic location: 1q22.
Variant type: Deletion.
Coding change: c.776_778del on transcript NM_018489.3 (MANE Select); coding-DNA positions 776 to 778, 3 bases deleted (TTG; older notation c.776_778delTTG).
Protein change: p.Val259del; deletes valine 259.
Molecular consequence: inframe deletion.
Genome position (GRCh38, 1-based): chr1:155,482,092-155,482,094, CAA deleted on the plus strand (TTG on the coding strand, the reverse complement: ASH1L is on the minus strand); deleting any 3 consecutive bases within chr1:155,482,092-155,482,096 gives the same sequence; the c. name uses the placement nearest the transcript's 3' end. VCF-style (leftmost placement, unchanged base first): chr1-155482091-CCAA-C. GRCh37 (hg19) VCF-style: chr1-155451882-CCAA-C.
Other names: c.776_778del, p.Val259del (NM_001366177.2); short protein forms V259del.
Identifiers: ClinVar variation 2499726 (VCV002499726.1), dbSNP rs1470318422, ClinGen allele CA526669469.